The following is an entry in ClinVar:

ClinVar aggregate classification (germline): Conflicting classifications of pathogenicity. Review status: criteria provided, conflicting classifications (1 of 4 stars). 8 submissions from 7 submitters: Uncertain significance (4); Benign (1); Likely benign (1). 2 of the submissions do not count toward it. Last evaluated 2026-04-22.

Conditions:
Familial dysfibrinogenemia. Also called: Dysfibrinogenemia, congenital. Identifiers: Orphanet 335, Orphanet 98881, MedGen C0272350, MONDO:0014452, OMIM 616004.
Congenital afibrinogenemia. Identifiers: Orphanet 335, Orphanet 98880, MedGen C2584774, MONDO:0008737, OMIM 202400.
Familial visceral amyloidosis, Ostertag type (AMYLD2). Also called: Amyloidosis, hepatic and systemic; AMYLOIDOSIS VIII; Hereditary Renal Amyloidosis; AMYLOIDOSIS, HEREDITARY SYSTEMIC 2; Ostertag type amyloidosis; Familial visceral amyloidosis. Identifiers: Orphanet 85450, MedGen C0268389, MONDO:0007099, OMIM 105200.
Inborn genetic diseases. Identifiers: MedGen C0950123, MeSH D030342.

Allele frequency attached by ClinVar (database versions not stated): TOPMed 0.00039; gnomAD 0.00047 and 0.00048; gnomAD exomes 0.00053; ESP Exome Variant Server 0.00054.
gnomAD v4.1: 845 of 1,614,078 alleles (0.052%); highest among the groups gnomAD compares: Non-Finnish European, 0.066%; no homozygotes.

Submissions (8):

Women's Health and Genetics/Laboratory Corporation of America, LabCorp
Classification: Uncertain significance. Last evaluated: 2026-04-22. Review status: criteria provided, single submitter. Criteria: LabCorp Variant Classification Summary - May 2015. Collection method: clinical testing. Allele origin: germline.
Comment: Variant summary: FGA c.1417G>A (p.Asp473Asn) results in a conservative amino acid change located in the Fibrinogen alpha C domain (IPR021996) of the encoded protein sequence. Algorithms developed to predict the effect of missense changes on protein structure and function all suggest that this variant is likely to be tolerated. The variant allele was found at a frequency of 0.00041 in 251134 control chromosomes (gnomAD). This frequency is not significantly higher than estimated for disease-causing variants in FGA, allowing no conclusion about variant significance. c.1417G>A has been reported in the literature in an individual affected with Hypofibrinogenemia, however this patient also carried a possibly causal variant in the FGB gene (Mohsenian_2024). This report does not provide unequivocal conclusions about association of the variant with Dysfibrinogenemia, Congenital. To our knowledge, no experimental evidence demonstrating an impact on protein function has been reported. The following publication has been ascertained in the context of this evaluation (PMID: 38286442). ClinVar contains an entry for this variant (Variation ID: 347811). Based on the evidence outlined above, the variant was classified as uncertain significance.

Blueprint Genetics
Classification: Likely benign. Last evaluated: 2024-10-08. Review status: criteria provided, single submitter. Criteria: ACMG Guidelines, 2015. Collection method: clinical testing. Allele origin: germline.

Fulgent Genetics
Classification: Uncertain significance for Familial visceral amyloidosis, Ostertag type; Congenital afibrinogenemia; Familial dysfibrinogenemia. Last evaluated: 2024-04-01. Review status: criteria provided, single submitter. Criteria: ACMG Guidelines, 2015. Collection method: clinical testing. Allele origin: germline.

Ambry Genetics
Classification: Uncertain significance for Inborn genetic diseases. Last evaluated: 2023-11-27. Review status: criteria provided, single submitter. Criteria: Ambry Variant Classification Scheme 2023. Collection method: clinical testing. Allele origin: germline.

Illumina Laboratory Services, Illumina
Classification: Uncertain significance for Congenital afibrinogenemia. Last evaluated: 2018-01-13. Review status: criteria provided, single submitter. Criteria: ICSL Variant Classification Criteria 13 December 2019. Collection method: clinical testing. Allele origin: germline.

Illumina Laboratory Services, Illumina
Classification: Benign for Familial visceral amyloidosis, Ostertag type. Last evaluated: 2018-01-13. Review status: criteria provided, single submitter. Criteria: ICSL Variant Classification Criteria 13 December 2019. Collection method: clinical testing. Allele origin: germline.
Comment: This variant was observed in the ICSL laboratory as part of a predisposition screen in an ostensibly healthy population. It had not been previously curated by ICSL or reported in the Human Gene Mutation Database (HGMD: prior to June 1st, 2018), and was therefore a candidate for classification through an automated scoring system. Utilizing variant allele frequency, disease prevalence and penetrance estimates, and inheritance mode, an automated score was calculated to assess if this variant is too frequent to cause the disease. Based on the score and internal cut-off values, a variant classified as benign is not then subjected to further curation. The score for this variant resulted in a classification of benign for this disease.

Genome Diagnostics Laboratory, University Medical Center Utrecht
Classification: Uncertain significance. Review status: no assertion criteria provided. Collection method: clinical testing. Allele origin: germline. Affected: yes. Study: VKGL Data-share Consensus. Not counted in ClinVar's aggregate classification.

Joint Genome Diagnostic Labs from Nijmegen and Maastricht, Radboudumc and MUMC+
Classification: Uncertain significance. Review status: no assertion criteria provided. Collection method: clinical testing. Allele origin: germline. Affected: yes. Study: VKGL Data-share Consensus. Not counted in ClinVar's aggregate classification.

Literature cited by the submitters: PubMed 38286442 (cited by Women's Health and Genetics/Laboratory Corporation of America, LabCorp).

NM_021871.4(FGA):c.1417G>A (p.Asp473Asn)

Gene: FGA (fibrinogen alpha chain; minus strand). Cytogenetic location: 4q31.3.
Variant type: single nucleotide variant.
Coding change: c.1417G>A on transcript NM_021871.4 (MANE Select); coding-DNA position 1417, G replaced by A.
Protein change: p.Asp473Asn; replaces aspartic acid 473 with asparagine.
Molecular consequence: missense variant.
Genome position (GRCh38, 1-based): chr4:154,586,012, C>T on the plus strand (G>A on the coding strand, the complement: FGA is on the minus strand). VCF-style: chr4-154586012-C-T. GRCh37 (hg19) VCF-style: chr4-155507164-C-T.
Other names: c.1417G>A (LRG_557t2); c.1417G>A, p.Asp473Asn (NM_000508.5); short protein forms D473N.
Identifiers: ClinVar variation 347811 (VCV000347811.14), dbSNP rs200378626, ClinGen allele CA3115087.